The following is an entry in ClinVar:

NM_175914.5(HNF4A):c.1217-145T>C

Gene: HNF4A (hepatocyte nuclear factor 4 alpha; plus strand). Cytogenetic location: 20q13.12.
Variant type: single nucleotide variant.
Coding change: c.1217-145T>C on transcript NM_175914.5 (MANE Select); 145 bases into the intron before coding-DNA position 1217, T replaced by C.
Molecular consequence: intron variant.
Genome position (GRCh38, 1-based): chr20:44,429,378, T>C. VCF-style: chr20-44429378-T-C. GRCh37 (hg19) VCF-style: chr20-43058018-T-C.
Other names: c.1178-145T>C (NM_001287182.2); c.1187-145T>C (NM_001030003.3); c.1208-145T>C (NM_001287183.2); c.1262-145T>C (NM_001258355.2); c.1253-145T>C (NM_178849.3); c.1283-145T>C (NM_000457.6).
Identifiers: ClinVar variation 676884 (VCV000676884.3), dbSNP rs3746574, ClinGen allele CA15978478.

ClinVar aggregate classification (germline): Conflicting classifications of pathogenicity. Review status: criteria provided, conflicting classifications (1 of 4 stars). 3 submissions from 3 submitters: Uncertain significance (1); Benign (2). Last evaluated 2018-06-14.

Conditions:
Maturity-onset diabetes of the young (MODY). Also called: Maturity onset diabetes mellitus in young. Identifiers: Orphanet 552, MedGen C0342276, MONDO:0018911, HP:0004904.

Allele frequency attached by ClinVar (database versions not stated): 1000 Genomes Project 0.38019; 1000 Genomes Project 30x 0.38210; TOPMed 0.44795; gnomAD 0.45705 and 0.46132.
gnomAD v4.1: 425,907 of 878,484 alleles (48%); highest among the groups gnomAD compares: Middle Eastern, 56%; 106,498 homozygotes.

Submissions (3):

GeneDx
Classification: Benign. Last evaluated: 2018-06-14. Review status: criteria provided, single submitter. Criteria: GeneDx Variant Classification (06012015). Collection method: clinical testing. Allele origin: germline. Affected: yes.
Comment: This variant is considered likely benign or benign based on one or more of the following criteria: it is a conservative change, it occurs at a poorly conserved position in the protein, it is predicted to be benign by multiple in silico algorithms, and/or has population frequency not consistent with disease.

Breakthrough Genomics
Classification: Benign. Review status: criteria provided, single submitter. Criteria: ACMG Guidelines, 2015. Collection method: not provided. Allele origin: germline. Inheritance: Autosomal dominant inheritance. Affected: yes.

Clinical Genomics, Uppaluri K&H Personalized Medicine Clinic
Classification: Uncertain significance for Maturity-onset diabetes of the young. Review status: criteria provided, single submitter. Criteria: K & H Uppaluri Personalized Medicine Clinic Variant Classification & Assertion Criteria_Updated V.1. Collection method: research. Allele origin: unknown. Inheritance: Autosomal dominant inheritance.
Comment: Potent mutations in HNF4A are associated with poor insulin secretion in response to hyperglycemia. Associated with MODY1. Patients initially respond well to sulfonylureas but eventually become insulin dependent. However, more evidence is required to ascertain the role of this particular variant rs3746574 in MODY, yet.

Literature cited by the submitters: DOI 10.1159/000334532 (cited by Clinical Genomics, Uppaluri K&H Personalized Medicine Clinic); PubMed 18268044 (cited by Clinical Genomics, Uppaluri K&H Personalized Medicine Clinic); PubMed 17563455 (cited by Clinical Genomics, Uppaluri K&H Personalized Medicine Clinic); PubMed 32583173 (cited by Clinical Genomics, Uppaluri K&H Personalized Medicine Clinic); PubMed 35052457 (cited by Clinical Genomics, Uppaluri K&H Personalized Medicine Clinic); PubMed 35118593 (cited by Clinical Genomics, Uppaluri K&H Personalized Medicine Clinic).